The following is an entry in ClinVar:

NM_000051.4(ATM):c.9155G>C (p.Trp3052Ser)

Genes: ATM (ATM serine/threonine kinase; plus strand), C11orf65 (chromosome 11 open reading frame 65; minus strand). Cytogenetic location: 11q22.3.
Variant type: single nucleotide variant.
Coding change: c.9155G>C on transcript NM_000051.4 (MANE Select); coding-DNA position 9155, G replaced by C.
Protein change: p.Trp3052Ser; replaces tryptophan 3052 with serine.
Molecular consequence: missense variant. On other transcripts: intron variant (2).
Genome position (GRCh38, 1-based): chr11:108,365,492, G>C. VCF-style: chr11-108365492-G-C. GRCh37 (hg19) VCF-style: chr11-108236219-G-C.
Other names: c.9155G>C, p.Trp3052Ser (NM_001351834.2); c.640+20428C>G (NM_001330368.2); c.694+20428C>G (NM_001351110.2); short protein forms W3052S.
Identifiers: ClinVar variation 823053 (VCV000823053.14), dbSNP rs1591388369, ClinGen allele CA382532159.

ClinVar aggregate classification (germline): Uncertain significance. Review status: criteria provided, multiple submitters, no conflicts (2 of 4 stars). 2 submissions from 2 submitters: Uncertain significance (2). Last evaluated 2022-10-20.

Conditions:
Hereditary cancer-predisposing syndrome. Also called: Tumor predisposition; Neoplastic Syndromes, Hereditary; Hereditary Cancer Syndrome; Hereditary neoplastic syndrome. Identifiers: Orphanet 140162, MedGen C0027672, MeSH D009386, MONDO:0015356.
Ataxia-telangiectasia syndrome (AT). Also called: ATAXIA-TELANGIECTASIA, COMPLEMENTATION GROUP A; ATAXIA-TELANGIECTASIA, FRESNO VARIANT; Ataxia-telangiectasia; Ataxia-telangiectasia, complementation group D; AT, COMPLEMENTATION GROUP C; Ataxia-telangiectasia, complementation group E. Identifiers: Orphanet 100, MedGen C0004135, MONDO:0008840, OMIM 208900.

Submissions (2):

Labcorp Genetics (formerly Invitae), Labcorp
Classification: Uncertain significance for Ataxia-telangiectasia syndrome. Last evaluated: 2022-10-20. Review status: criteria provided, single submitter. Criteria: Invitae Variant Classification Sherloc (09022015). Collection method: clinical testing. Allele origin: germline.
Comment: This sequence change replaces tryptophan, which is neutral and slightly polar, with serine, which is neutral and polar, at codon 3052 of the ATM protein (p.Trp3052Ser). In summary, the available evidence is currently insufficient to determine the role of this variant in disease. Therefore, it has been classified as a Variant of Uncertain Significance. Algorithms developed to predict the effect of missense changes on protein structure and function (SIFT, PolyPhen-2, Align-GVGD) all suggest that this variant is likely to be disruptive. ClinVar contains an entry for this variant (Variation ID: 823053). This variant has not been reported in the literature in individuals affected with ATM-related conditions. This variant is not present in population databases (gnomAD no frequency).

Ambry Genetics
Classification: Uncertain significance for Hereditary cancer-predisposing syndrome. Last evaluated: 2019-02-07. Review status: criteria provided, single submitter. Criteria: Ambry Variant Classification Scheme 2023. Collection method: clinical testing. Allele origin: germline.
Comment: The p.W3052S variant (also known as c.9155G>C), located in coding exon 62 of the ATM gene, results from a G to C substitution at nucleotide position 9155. The tryptophan at codon 3052 is replaced by serine, an amino acid with highly dissimilar properties. This amino acid position is highly conserved in available vertebrate species. In addition, this alteration is predicted to be deleterious by in silico analysis. Since supporting evidence is limited at this time, the clinical significance of this alteration remains unclear.